The following is an entry in ClinVar:

NM_194248.3(OTOF):c.631C>T (p.Arg211Trp)

Gene: OTOF (otoferlin; minus strand). Cytogenetic location: 2p23.3.
Variant type: single nucleotide variant.
Coding change: c.631C>T on transcript NM_194248.3 (MANE Select); coding-DNA position 631, C replaced by T.
Protein change: p.Arg211Trp; replaces arginine 211 with tryptophan.
Molecular consequence: missense variant.
Genome position (GRCh38, 1-based): chr2:26,502,379, G>A on the plus strand (C>T on the coding strand, the complement: OTOF is on the minus strand). VCF-style: chr2-26502379-G-A. GRCh37 (hg19) VCF-style: chr2-26725247-G-A.
Other names: c.631C>T, p.Arg211Trp (NM_001287489.2); c.631C>T (NM_194248.2); short protein forms R211W.
Identifiers: ClinVar variation 1361057 (VCV001361057.6), dbSNP rs138720253, ClinGen allele CA1564567.

ClinVar aggregate classification (germline): Uncertain significance. Review status: criteria provided, multiple submitters, no conflicts (2 of 4 stars). 3 submissions from 3 submitters: Uncertain significance (3). Last evaluated 2025-12-15.

Conditions:
Inborn genetic diseases. Identifiers: MedGen C0950123, MeSH D030342.

Allele frequency attached by ClinVar (database versions not stated): gnomAD exomes 0.00002 and 0.00003; gnomAD 0.00003; TOPMed 0.00003; ExAC 0.00004; ESP Exome Variant Server 0.00008.

Submissions (3):

Ambry Genetics
Classification: Uncertain significance for Inborn genetic diseases. Last evaluated: 2025-12-15. Review status: criteria provided, single submitter. Criteria: Ambry Variant Classification Scheme 2023. Collection method: clinical testing. Allele origin: germline.

GeneDx
Classification: Uncertain significance. Last evaluated: 2023-02-16. Review status: criteria provided, single submitter. Criteria: GeneDx Variant Classification Process June 2021. Collection method: clinical testing. Allele origin: germline. Affected: yes.
Comment: Not observed at significant frequency in large population cohorts (gnomAD); In silico analysis supports that this missense variant has a deleterious effect on protein structure/function; Has not been previously published as pathogenic or benign to our knowledge

Labcorp Genetics (formerly Invitae), Labcorp
Classification: Uncertain significance. Last evaluated: 2022-03-09. Review status: criteria provided, single submitter. Criteria: Invitae Variant Classification Sherloc (09022015). Collection method: clinical testing. Allele origin: germline.
Comment: This sequence change replaces arginine, which is basic and polar, with tryptophan, which is neutral and slightly polar, at codon 211 of the OTOF protein (p.Arg211Trp). This variant is present in population databases (rs138720253, gnomAD 0.004%). This variant has not been reported in the literature in individuals affected with OTOF-related conditions. Algorithms developed to predict the effect of missense changes on protein structure and function are either unavailable or do not agree on the potential impact of this missense change (SIFT: "Deleterious"; PolyPhen-2: "Possibly Damaging"; Align-GVGD: "Class C0"). In summary, the available evidence is currently insufficient to determine the role of this variant in disease. Therefore, it has been classified as a Variant of Uncertain Significance.